The following is an entry in ClinVar:

ClinVar aggregate classification (germline): Uncertain significance (1 of 4 stars; one submission).

Conditions:
Epidermolysis bullosa simplex with nail dystrophy (EBS5D). Identifiers: MedGen C4225309, MONDO:0014661, OMIM 616487.
Epidermolysis bullosa simplex, Ogna type (EBS5A). Also called: EPIDERMOLYSIS BULLOSA SIMPLEX 5A, OGNA TYPE; Pidermolysis bullosa simplex 5A, Ogna type. Identifiers: Orphanet 79401, MedGen C0432317, MONDO:0007555, OMIM 131950.
Autosomal recessive limb-girdle muscular dystrophy type 2Q (LGMDR17). Also called: MUSCULAR DYSTROPHY, LIMB-GIRDLE, AUTOSOMAL RECESSIVE 17. Identifiers: Orphanet 254361, MedGen C3150989, MONDO:0013390, OMIM 613723.
Epidermolysis bullosa simplex 5B, with muscular dystrophy (EBS5B). Also called: EPIDERMOLYSIS BULLOSA SIMPLEX AND LIMB-GIRDLE MUSCULAR DYSTROPHY; Epidermolysis bullosa simplex with muscular dystrophy. Identifiers: Orphanet 257, MedGen C2931072, MONDO:0009181, OMIM 226670.
Epidermolysis bullosa simplex 5C, with pyloric atresia (EBS5C). Also called: PLEC-Related Epidermolysis Bullosa with Pyloric Atresia; Epidermolysis bullosa simplex with pyloric atresia; PLEC1-Related Epidermolysis Bullosa with Pyloric Atresia. Identifiers: Orphanet 158684, MedGen C2677349, MONDO:0012807, OMIM 612138.

gnomAD v4.1: 2 of 1,595,494 alleles (0.00013%); highest among the groups gnomAD compares: Non-Finnish European, 0.00017%; no homozygotes.

Submission:

Labcorp Genetics (formerly Invitae), Labcorp
Classification: Uncertain significance for Autosomal recessive limb-girdle muscular dystrophy type 2Q; Epidermolysis bullosa simplex, Ogna type; Epidermolysis bullosa simplex with nail dystrophy; Epidermolysis bullosa simplex 5C, with pyloric atresia; Epidermolysis bullosa simplex 5B, with muscular dystrophy. Last evaluated: 2025-08-20. Review status: criteria provided, single submitter. Criteria: Invitae Variant Classification Sherloc (09022015). Collection method: clinical testing. Allele origin: germline.
Comment: This sequence change replaces glutamic acid, which is acidic and polar, with lysine, which is basic and polar, at codon 1426 of the PLEC protein (p.Glu1426Lys). This variant is not present in population databases (gnomAD no frequency). This variant has not been reported in the literature in individuals affected with PLEC-related conditions. Experimental studies and prediction algorithms are not available or were not evaluated, and the functional significance of this variant is currently unknown. In summary, the available evidence is currently insufficient to determine the role of this variant in disease. Therefore, it has been classified as a Variant of Uncertain Significance.

NM_201384.3(PLEC):c.4195G>A (p.Glu1399Lys)

Gene: PLEC (plectin; minus strand). Cytogenetic location: 8q24.3.
Variant type: single nucleotide variant.
Coding change: c.4195G>A on transcript NM_201384.3 (MANE Select); coding-DNA position 4195, G replaced by A.
Protein change: p.Glu1399Lys; replaces glutamic acid 1399 with lysine.
Molecular consequence: missense variant. On other transcripts: intron variant (1).
Genome position (GRCh38, 1-based): chr8:143,925,734, C>T on the plus strand (G>A on the coding strand, the complement: PLEC is on the minus strand). VCF-style: chr8-143925734-C-T. GRCh37 (hg19) VCF-style: chr8-144999902-C-T.
Other names: c.4276G>A, p.Glu1426Lys (NM_000445.5); c.4153G>A, p.Glu1385Lys (NM_201378.4); c.4129G>A, p.Glu1377Lys (NM_201379.3); c.4606G>A, p.Glu1536Lys (NM_201380.4); c.4099G>A, p.Glu1367Lys (NM_201381.3); c.4195G>A, p.Glu1399Lys (NM_201382.4); c.4207G>A, p.Glu1403Lys (NM_201383.3); c.4125+1050G>A (NM_001410941.1); short protein forms E1367K, E1385K, E1399K, E1536K, E1377K, E1426K, E1403K.
Identifiers: ClinVar variation 4789887 (VCV004789887.1).
Genomic context (GRCh38, chr8:143,925,734, plus strand): 5'-GAATGCTGCGCTTCTGCTGCTGCGCGTCCACCGCCGCCTCCTCCCGCCGCACCACCTCCT[C>T]CTGCATGCGCTGCTGCAGCTCCTTCGCCTCCCGCTCCGCCTGTGCCTTTGCCTGGGCGTG-3'
Protein context (NP_958786.1, residues 1389-1409): EAKELQQRMQ[Glu1399Lys]EVVRREEAAV